The following is an entry in ClinVar:

ClinVar aggregate classification (germline): Uncertain significance. Review status: criteria provided, multiple submitters, no conflicts (2 of 4 stars). 4 submissions from 4 submitters: Uncertain significance (3). 1 of the submissions does not count toward it. Last evaluated 2024-12-05.

Conditions:
TRIP11-related disorder. Also called: TRIP11-Related Disorders; TRIP11-related condition.
Inborn genetic diseases. Identifiers: MedGen C0950123, MeSH D030342.
Achondrogenesis, type IA (ACG1A). Identifiers: Orphanet 932, Orphanet 93299, MedGen C0265273, MONDO:0008701, OMIM 200600.

Allele frequency attached by ClinVar (database versions not stated): gnomAD 0.00003; TOPMed 0.00003; ExAC 0.00007; gnomAD exomes 0.00007; ESP Exome Variant Server 0.00008.
gnomAD v4.1: 99 of 1,614,086 alleles (0.0061%); highest among the groups gnomAD compares: Non-Finnish European, 0.0082%; no homozygotes.

Submissions (4):

Mayo Clinic Laboratories, Mayo Clinic
Classification: Uncertain significance. Last evaluated: 2024-12-05. Review status: criteria provided, single submitter. Criteria: ACMG Guidelines, 2015. Collection method: clinical testing. Allele origin: germline. Observed: 1 variant allele.
Comment: BP4_moderate

Ambry Genetics
Classification: Uncertain significance for Inborn genetic diseases. Last evaluated: 2023-03-14. Review status: criteria provided, single submitter. Criteria: Ambry Variant Classification Scheme 2023. Collection method: clinical testing. Allele origin: germline.

Labcorp Genetics (formerly Invitae), Labcorp
Classification: Uncertain significance for Achondrogenesis, type IA. Last evaluated: 2022-10-17. Review status: criteria provided, single submitter. Criteria: Invitae Variant Classification Sherloc (09022015). Collection method: clinical testing. Allele origin: germline.
Comment: This sequence change replaces isoleucine, which is neutral and non-polar, with threonine, which is neutral and polar, at codon 1311 of the TRIP11 protein (p.Ile1311Thr). This variant is present in population databases (rs376783690, gnomAD 0.01%). This variant has not been reported in the literature in individuals affected with TRIP11-related conditions. ClinVar contains an entry for this variant (Variation ID: 1044214). Advanced modeling of protein sequence and biophysical properties (such as structural, functional, and spatial information, amino acid conservation, physicochemical variation, residue mobility, and thermodynamic stability) performed at Invitae indicates that this missense variant is not expected to disrupt TRIP11 protein function. In summary, the available evidence is currently insufficient to determine the role of this variant in disease. Therefore, it has been classified as a Variant of Uncertain Significance.

PreventionGenetics, part of Exact Sciences
Classification: Uncertain significance for TRIP11-related condition. Last evaluated: 2024-03-30. Review status: no assertion criteria provided. Collection method: clinical testing. Allele origin: germline. Not counted in ClinVar's aggregate classification.
Comment: The TRIP11 c.3932T>C variant is predicted to result in the amino acid substitution p.Ile1311Thr. To our knowledge, this variant has not been reported in the literature. This variant is reported in 0.013% of alleles in individuals of European (Non-Finnish) descent in gnomAD. At this time, the clinical significance of this variant is uncertain due to the absence of conclusive functional and genetic evidence.

NM_004239.4(TRIP11):c.3932T>C (p.Ile1311Thr)

Gene: TRIP11 (thyroid hormone receptor interactor 11; minus strand). Cytogenetic location: 14q32.12.
Variant type: single nucleotide variant.
Coding change: c.3932T>C on transcript NM_004239.4 (MANE Select); coding-DNA position 3932, T replaced by C.
Protein change: p.Ile1311Thr; replaces isoleucine 1311 with threonine.
Molecular consequence: missense variant.
Genome position (GRCh38, 1-based): chr14:92,004,044, A>G on the plus strand (T>C on the coding strand, the complement: TRIP11 is on the minus strand). VCF-style: chr14-92004044-A-G. GRCh37 (hg19) VCF-style: chr14-92470388-A-G.
Other names: p.Ile1311Thr; c.3929T>C, p.Ile1310Thr (NM_001321851.1); c.3932T>C (NM_004239.3); short protein forms I1311T, I1310T.
Identifiers: ClinVar variation 1044214 (VCV001044214.7), dbSNP rs376783690, ClinGen allele CA7313551.
Genomic context (GRCh38, chr14:92,004,044, plus strand): 5'-CTAAGACACTCTGCAGACTGGGGAGTAAGCAATGATGCAGAAGACAGCTGGGGTGAAATA[A>G]TATCAAGTTTTCCTAAAAGAAGATCCTTGGTATTGCAAAGCTGCCCAATGCTGTGCTGAA-3'
Protein context (NP_004230.2, residues 1301-1321): TKDLLLGKLD[Ile1311Thr]ISPQLSSASL